The following is an entry in ClinVar:

ClinVar aggregate classification (germline): Benign/Likely benign. Review status: criteria provided, multiple submitters, no conflicts (2 of 4 stars). 3 submissions from 3 submitters: Benign (1); Likely benign (1). 1 of the submissions does not count toward it. Last evaluated 2025-02-16.

Conditions:
Leber optic atrophy (LHON). Also called: Leber's disease; Leber's optic atrophy; Leber hereditary optic neuropathy; Optic Atrophy, Hereditary, Leber. Identifiers: Orphanet 104, MedGen C0917796, MONDO:0010788, OMIM 535000, HP:0001112.
Leigh syndrome (NULS). Also called: LEIGH SYNDROME, NUCLEAR; Leigh's syndrome; Subacute necrotizing encephalopathy; Necrotizing encephalopathy infantile subacute of Leigh; Leigh Disease; Leigh Syndrome (mtDNA deletion). Identifiers: Orphanet 506, MedGen C2931891, MONDO:0009723, OMIM 256000.

Submissions (3):

Laboratory of Genetics, Children's Clinical University Hospital Latvia
Classification: Likely benign. Last evaluated: 2025-02-16. Review status: criteria provided, single submitter. Criteria: ACMG Guidelines, 2015. Collection method: clinical testing. Allele origin: germline. Affected: yes.

Wong Mito Lab, Molecular and Human Genetics, Baylor College of Medicine
Classification: Benign for Leigh syndrome. Last evaluated: 2019-10-17. Review status: criteria provided, single submitter. Criteria: Modified ACMG Guidelines (Unpublished). Collection method: clinical testing. Allele origin: germline.
Comment: The NC_012920.1:m.10237T>C (YP_003024033.1:p.Ile60Thr) variant in MTND3 gene is interpretated to be a Benign variant based on the modified ACMG guidelines (unpublished). This variant meets the following evidence codes: BS1, BS2

GeneReviews
No classification provided. Condition: Leber optic atrophy. Review status: no classification provided. Collection method: literature only. Allele origin: maternal. Not counted in ClinVar's aggregate classification.

Literature cited by the submitters: PubMed 12227465 (cited by Wong Mito Lab, Molecular and Human Genetics, Baylor College of Medicine); PubMed 30143805 (cited by GeneReviews); PubMed 20301353 (cited by GeneReviews).

NC_012920.1(MT-ND3):m.10237T>C

Gene: MT-ND3 (mitochondrially encoded NADH dehydrogenase 3; plus strand).
Variant type: single nucleotide variant.
Genome position: chrM-10237-T-C.
Identifiers: ClinVar variation 65508 (VCV000065508.5), dbSNP rs1556423787, ClinGen allele CA344819.